The following is an entry in ClinVar:

NM_000304.4(PMP22):c.215C>G (p.Ser72Trp)

Gene: PMP22 (peripheral myelin protein 22; minus strand). Cytogenetic location: 17p12.
Variant type: single nucleotide variant.
Coding change: c.215C>G on transcript NM_000304.4 (MANE Select); coding-DNA position 215, C replaced by G.
Protein change: p.Ser72Trp; replaces serine 72 with tryptophan.
Molecular consequence: missense variant. On other transcripts: non-coding transcript variant (2).
Genome position (GRCh38, 1-based): chr17:15,239,575, G>C on the plus strand (C>G on the coding strand, the complement: PMP22 is on the minus strand). VCF-style: chr17-15239575-G-C. GRCh37 (hg19) VCF-style: chr17-15142892-G-C.
Other names: c.215C>G, p.Ser72Trp (NM_001281455.2, NM_001281456.2, NM_001330143.2 and 2 more transcripts); short protein forms S72W.
Identifiers: ClinVar variation 637843 (VCV000637843.11), dbSNP rs104894621, ClinGen allele CA398268231.

ClinVar aggregate classification (germline): Pathogenic/Likely pathogenic. Review status: criteria provided, multiple submitters, no conflicts (2 of 4 stars). 4 submissions from 4 submitters: Pathogenic (1); Likely pathogenic (2). 1 of the submissions does not count toward it. Last evaluated 2025-08-12.

Conditions:
Charcot-Marie-Tooth disease, type I (CMT1). Also called: Charcot-Marie-Tooth, Type 1; Charcot-Marie-Tooth disease type 1. Identifiers: Orphanet 65753, MedGen C0751036, MONDO:0019011.
Dejerine-Sottas disease. Also called: DEJERINE-SOTTAS NEUROPATHY; HEREDITARY MOTOR AND SENSORY NEUROPATHY TYPE III; Charcot-Marie-Tooth disease type 3; HMSN Type III; Hereditary motor and sensory neuropathy 3. Identifiers: Orphanet 64748, MedGen C0011195, MONDO:0007790, OMIM 145900.

Submissions (4):

Variantyx, Inc.
Classification: Likely pathogenic for Dejerine-Sottas disease. Last evaluated: 2025-08-12. Review status: criteria provided, single submitter. Criteria: Variantyx Assertion Criteria 2022. Collection method: clinical testing. Allele origin: germline. Inheritance: Autosomal dominant inheritance. Affected: yes.
Comment: This is a nonsynonymous variant in the PMP22 gene (OMIM: 601097). Pathogenic variants in this gene have been associated with autosomal dominant or autosomal recessive Dejerine-Sottas disease. This variant has been reported in at least 2 affected individuals (PMID: 9055797) (PS4). Multiple computational algorithms predict a deleterious effect for this variant (REVEL score: 0.934) (PP3), and an alternate amino acid change at this position (p.Ser72Leu) has been previously reported in similarly affected individuals, which suggests that this residue is biologically important (PMID: 9004143, 9585367, 10399754, 11314784) (PM5). This variant is absent from control populations (PM2). Based on the current evidence, this variant is classified as likely pathogenic for autosomal dominant or autosomal recessive Dejerine-Sottas disease.

GeneDx
Classification: Likely pathogenic. Last evaluated: 2024-06-03. Review status: criteria provided, single submitter. Criteria: GeneDx Variant Classification Process June 2021. Collection method: clinical testing. Allele origin: germline. Affected: yes.
Comment: Reported previously in a mother and son with Dejerine-Sottas disease (PMID: 9055797); A different missense change at this residue (p.S72L) has been reported in the published literature in association with Dejerine-Sottas disease (PMID: 21840889, 8275092); Not observed at significant frequency in large population cohorts (gnomAD); In silico analysis supports that this missense variant has a deleterious effect on protein structure/function; This variant is associated with the following publications: (PMID: 23224996, 28374912, 9055797, 21840889, 8275092)

Labcorp Genetics (formerly Invitae), Labcorp
Classification: Pathogenic for Charcot-Marie-Tooth disease, type I. Last evaluated: 2022-08-16. Review status: criteria provided, single submitter. Criteria: Invitae Variant Classification Sherloc (09022015). Collection method: clinical testing. Allele origin: germline.
Comment: This variant disrupts the p.Ser72 amino acid residue in PMP22. Other variant(s) that disrupt this residue have been determined to be pathogenic (PMID: 8275092, 9004143, 9585367, 10399754, 11314784). This suggests that this residue is clinically significant, and that variants that disrupt this residue are likely to be disease-causing. For these reasons, this variant has been classified as Pathogenic. This sequence change replaces serine, which is neutral and polar, with tryptophan, which is neutral and slightly polar, at codon 72 of the PMP22 protein (p.Ser72Trp). This variant is not present in population databases (gnomAD no frequency). This missense change has been observed in individuals with Dejerine–Sottas disease (PMID: 9055797). ClinVar contains an entry for this variant (Variation ID: 637843). Advanced modeling of protein sequence and biophysical properties (such as structural, functional, and spatial information, amino acid conservation, physicochemical variation, residue mobility, and thermodynamic stability) performed at Invitae indicates that this missense variant is expected to disrupt PMP22 protein function.

Inherited Neuropathy Consortium
Classification: Uncertain significance for Dejerine-Sottas disease. Review status: no assertion criteria provided. Collection method: literature only. Allele origin: germline. Affected: yes. Not counted in ClinVar's aggregate classification.

Literature cited by the submitters: PubMed 9055797 (cited by 3 submitters); PubMed 9004143 (cited by Variantyx, Inc. and Labcorp Genetics (formerly Invitae), Labcorp); PubMed 9585367 (cited by Variantyx, Inc. and Labcorp Genetics (formerly Invitae), Labcorp); PubMed 10399754 (cited by Variantyx, Inc. and Labcorp Genetics (formerly Invitae), Labcorp); PubMed 11314784 (cited by Variantyx, Inc. and Labcorp Genetics (formerly Invitae), Labcorp); PubMed 8275092 (cited by Labcorp Genetics (formerly Invitae), Labcorp).